The following is an entry in ClinVar:

NM_002334.4(LRP4):c.3255_3256delinsAC (p.Ile1086Leu)

Gene: LRP4 (LDL receptor related protein 4; minus strand). Cytogenetic location: 11p11.2.
Variant type: Indel.
Coding change: c.3255_3256delinsAC on transcript NM_002334.4 (MANE Select); coding-DNA positions 3255 to 3256, CA replaced by AC.
Protein change: p.Ile1086Leu; replaces isoleucine 1086 with leucine.
Molecular consequence: missense variant.
Genome position (GRCh38, 1-based): chr11:46,877,220-46,877,221, TG replaced by GT on the plus strand (CA replaced by AC on the coding strand, the reverse complement: LRP4 is on the minus strand). VCF-style: chr11-46877220-TG-GT. GRCh37 (hg19) VCF-style: chr11-46898771-TG-GT.
Other names: short protein forms I1086L.
Identifiers: ClinVar variation 467786 (VCV000467786.3), dbSNP rs1555172311, ClinGen allele CA658658050.

ClinVar aggregate classification (germline): Uncertain significance (1 of 4 stars; one submission).

Conditions:
Congenital myasthenic syndrome 17. Identifiers: Orphanet 590, MedGen C4225377, MONDO:0014578, OMIM 616304.
Cenani-Lenz syndactyly syndrome. Also called: CENANI SYNDACTYLISM; SYNDACTYLY, TYPE VII. Identifiers: Orphanet 3258, MedGen C1859309, MONDO:0008931, OMIM 212780.
Sclerosteosis 2 (SOST2). Identifiers: Orphanet 3152, MedGen C3280402, MONDO:0013679, OMIM 614305.

Submission:

Labcorp Genetics (formerly Invitae), Labcorp
Classification: Uncertain significance for Cenani-Lenz syndactyly syndrome; Sclerosteosis 2; Congenital myasthenic syndrome 17. Last evaluated: 2021-07-09. Review status: criteria provided, single submitter. Criteria: Invitae Variant Classification Sherloc (09022015). Collection method: clinical testing. Allele origin: germline.
Comment: This sequence change replaces isoleucine with valine at codon 1086 of the LRP4 protein (p.Ile1086Val). The isoleucine residue is highly conserved and there is a small physicochemical difference between isoleucine and valine. The frequency data for this variant in the population databases is not available, as this variant may be reported as separate entries in the ExAC database. In summary, the available evidence is currently insufficient to determine the role of this variant in disease. Therefore, it has been classified as a Variant of Uncertain Significance. Experimental studies and prediction algorithms are not available or were not evaluated, and the functional significance of this variant is currently unknown. This variant has not been reported in the literature in individuals with LRP4-related conditions.